The following is an entry in ClinVar:

NC_000009.12:g.34989720G>T

Genes: DNAJB5 (DnaJ heat shock protein family (Hsp40) member B5; plus strand), LOC129662434 (ATAC-STARR-seq lymphoblastoid silent region 19858; plus strand). Cytogenetic location: 9p13.3.
Variant type: single nucleotide variant.
Genome position: GRCh38 VCF-style: chr9-34989720-G-T. GRCh37 (hg19) VCF-style: chr9-34989717-G-T.
Identifiers: ClinVar variation 2659164 (VCV002659164.22), dbSNP rs1418005806, ClinGen allele CA373485351.

ClinVar aggregate classification (germline): Uncertain significance (1 of 4 stars; one submission).

Submission:

CeGaT Center for Human Genetics Tuebingen
Classification: Uncertain significance. Last evaluated: 2022-10-01. Review status: criteria provided, single submitter. Criteria: CeGaT Center For Human Genetics Tuebingen Variant Classification Criteria Version 2. Collection method: clinical testing. Allele origin: germline. Affected: yes. Observed: 1 variant allele.
Comment: DNAJB5: PM2, PP2